The following is an entry in ClinVar:

NM_005718.5(ARPC4):c.238del (p.Asp80fs)

Genes: ARPC4 (actin related protein 2/3 complex subunit 4; plus strand), ARPC4-TTLL3 (ARPC4-TTLL3 readthrough; plus strand). Cytogenetic location: 3p25.3.
Variant type: Deletion.
Coding change: c.238del on transcript NM_005718.5 (MANE Select); coding-DNA position 238, one base deleted (G; older notation c.238delG).
Protein change: p.Asp80fs; shifts the reading frame from aspartic acid 80.
Molecular consequence: frameshift variant. On other transcripts: 5 prime UTR variant (2).
Genome position (GRCh38, 1-based): chr3:9,801,664, G deleted. VCF-style (leftmost placement, unchanged base first): chr3-9801663-TG-T. GRCh37 (hg19) VCF-style: chr3-9843347-TG-T.
Other names: c.238del, p.Asp80fs (NM_001198793.1); c.-33del (NM_001024959.3, NM_001024960.3); c.295del, p.Asp99fs (NM_001198780.3); short protein forms D80fs, D99fs.
Identifiers: ClinVar variation 5018189 (VCV005018189.1).
Genomic context (GRCh38, chr3:9,801,663, plus strand): 5'-GGTGTTTTTGGCCTTGGGTGTCAGCTTTAGAGAAACATTTCTCTCTTGCACTCCCCAGGC[TG>T]ATGAGATCGAGAAGATTTTGTGCCACAAGTTCATGCGCTTCATGATGATGCGAGCAGAGA-3'

ClinVar aggregate classification (germline): Uncertain significance (1 of 4 stars; one submission).

Submission:

GeneDx
Classification: Uncertain significance. Last evaluated: 2026-04-07. Review status: criteria provided, single submitter. Criteria: GeneDx Variant Classification Process June 2021. Collection method: clinical testing. Allele origin: germline.
Comment: Not observed at significant frequency in large population cohorts (gnomAD); Has not been previously published as pathogenic or benign to our knowledge; Frameshift variant predicted to result in protein truncation or nonsense mediated decay in a gene for which loss of function is not an established mechanism of disease